The following continues an entry in ClinVar:

NM_001267550.2(TTN):c.23302G>A (p.Asp7768Asn)

Gene: TTN. ClinVar aggregate classification (germline): Conflicting classifications of pathogenicity. Uncertain significance (9); Benign (3); Likely benign (8).

Submissions 13 to 26 of 26:

Illumina Laboratory Services, Illumina
Classification: Uncertain significance for Autosomal recessive limb-girdle muscular dystrophy type 2J. Last evaluated: 2018-01-13. Review status: criteria provided, single submitter. Criteria: ICSL Variant Classification Criteria 13 December 2019. Collection method: clinical testing. Allele origin: germline.

Illumina Laboratory Services, Illumina
Classification: Uncertain significance for Dilated cardiomyopathy 1G. Last evaluated: 2018-01-13. Review status: criteria provided, single submitter. Criteria: ICSL Variant Classification Criteria 13 December 2019. Collection method: clinical testing. Allele origin: germline.

Illumina Laboratory Services, Illumina
Classification: Benign for Myopathy, myofibrillar, 9, with early respiratory failure. Last evaluated: 2018-01-13. Review status: criteria provided, single submitter. Criteria: ICSL Variant Classification Criteria 13 December 2019. Collection method: clinical testing. Allele origin: germline.
Comment: This variant was observed in the ICSL laboratory as part of a predisposition screen in an ostensibly healthy population. It had not been previously curated by ICSL or reported in the Human Gene Mutation Database (HGMD: prior to June 1st, 2018), and was therefore a candidate for classification through an automated scoring system. Utilizing variant allele frequency, disease prevalence and penetrance estimates, and inheritance mode, an automated score was calculated to assess if this variant is too frequent to cause the disease. Based on the score and internal cut-off values, a variant classified as benign is not then subjected to further curation. The score for this variant resulted in a classification of benign for this disease.

CHEO Genetics Diagnostic Laboratory, Children's Hospital of Eastern Ontario
Classification: Benign for Cardiomyopathy. Last evaluated: 2017-12-05. Review status: criteria provided, single submitter. Criteria: ACMG Guidelines, 2015. Collection method: clinical testing. Allele origin: germline.

Eurofins Ntd Llc (ga)
Classification: Uncertain significance. Last evaluated: 2015-10-06. Review status: criteria provided, single submitter. Criteria: EGL Classification Definitions 2015. Collection method: clinical testing. Allele origin: germline. Observed: 6 variant alleles, 6 heterozygotes.

Laboratory for Molecular Medicine, Mass General Brigham Personalized Medicine
Classification: Uncertain significance. Last evaluated: 2015-03-04. Review status: criteria provided, single submitter. Criteria: LMM Criteria. Collection method: clinical testing. Allele origin: germline. Observed: 6 variant alleles.
Comment: Variant classified as Uncertain Significance - Favor Benign. The p.Asp6524Asn va riant in TTN has been previously identified by our laboratory in 4 individuals w ith cardiomyopathy (1 infant with LVNC, 1 infant with RCM, 1 adult with HCM, and 1 adult with DCM). This variant has also been identified in 0.1% (85/66642) of European chromosomes by the Exome Aggregation Consortium (ExAC; dbSNP rs72648973). Computational prediction tools and conservati on analysis suggest that this variant may impact the protein, though this inform ation is not predictive enough to determine pathogenicity. In summary, while the clinical significance of the p.Asp6524Asn variant is uncertain, the broad pheno typic spectrum seen in individuals with this variant and its frequency in the ge neral population suggest that it is more likely to be benign.

Biesecker Lab/Clinical Genomics Section, National Institutes of Health
Classification: Likely benign. Last evaluated: 2013-06-24. Review status: criteria provided, single submitter. Criteria: Ng et al. (Circ Cardiovasc Genet. 2013). Collection method: research. Allele origin: unknown. Observed: 1 variant allele. Study: ClinSeq.
Comment: The study set was not selected for affection status in relation to any cancer. Pathogenicity categories were based on literature curation. See Pubmed ID:23861362 for details.

Medical sequencing

Ambry Genetics
Classification: Uncertain significance for Cardiovascular phenotype. Last evaluated: 2013-05-03. Review status: criteria provided, single submitter. Criteria: Ambry Autosomal Dominant and X-Linked criteria (10/2015). Collection method: clinical testing. Allele origin: germline. Observed: 1 variant allele.
Comment: There is insufficient or conflicting evidence for classification of this alteration.

PreventionGenetics, part of Exact Sciences
Classification: Likely benign for TTN-related condition. Last evaluated: 2023-10-03. Review status: no assertion criteria provided. Collection method: clinical testing. Allele origin: germline. Not counted in ClinVar's aggregate classification.
Comment: This variant is classified as likely benign based on ACMG/AMP sequence variant interpretation guidelines (Richards et al. 2015 PMID: 25741868, with internal and published modifications).

Clinical Genetics DNA and cytogenetics Diagnostics Lab, Erasmus MC, Erasmus Medical Center
Classification: Likely benign. Review status: no assertion criteria provided. Collection method: clinical testing. Allele origin: germline. Affected: yes. Study: VKGL Data-share Consensus. Not counted in ClinVar's aggregate classification.

Clinical Genetics, Academic Medical Center
Classification: Benign. Review status: no assertion criteria provided. Collection method: clinical testing. Allele origin: germline. Affected: yes. Study: VKGL Data-share Consensus. Not counted in ClinVar's aggregate classification.

Diagnostic Laboratory, Department of Genetics, University Medical Center Groningen
Classification: Likely benign. Review status: no assertion criteria provided. Collection method: clinical testing. Allele origin: germline. Affected: yes. Study: VKGL Data-share Consensus. Not counted in ClinVar's aggregate classification.

Joint Genome Diagnostic Labs from Nijmegen and Maastricht, Radboudumc and MUMC+
Classification: Likely benign. Review status: no assertion criteria provided. Collection method: clinical testing. Allele origin: germline. Affected: yes. Study: VKGL Data-share Consensus. Not counted in ClinVar's aggregate classification.

Laboratory of Diagnostic Genome Analysis, Leiden University Medical Center (LUMC)
Classification: Likely benign. Review status: no assertion criteria provided. Collection method: clinical testing. Allele origin: germline. Affected: yes. Study: VKGL Data-share Consensus. Not counted in ClinVar's aggregate classification.

Literature cited by the submitters: PubMed 37091313 (cited by Practice for Gait Abnormalities, David Pomarino, Competency Network Toe Walking C/o Practice Pomarino).